The following is an entry in ClinVar:

NM_000215.4(JAK3):c.2333A>G (p.Asn778Ser)

Gene: JAK3 (Janus kinase 3; minus strand). Cytogenetic location: 19p13.11.
Variant type: single nucleotide variant.
Coding change: c.2333A>G on transcript NM_000215.4 (MANE Select); coding-DNA position 2333, A replaced by G.
Protein change: p.Asn778Ser; replaces asparagine 778 with serine.
Molecular consequence: missense variant.
Genome position (GRCh38, 1-based): chr19:17,834,588, T>C on the plus strand (A>G on the coding strand, the complement: JAK3 is on the minus strand). VCF-style: chr19-17834588-T-C. GRCh37 (hg19) VCF-style: chr19-17945397-T-C.
Other names: short protein forms N778S.
Identifiers: ClinVar variation 840789 (VCV000840789.7), dbSNP rs199861157, ClinGen allele CA9301625.

ClinVar aggregate classification (germline): Uncertain significance. Review status: criteria provided, multiple submitters, no conflicts (2 of 4 stars). 4 submissions from 4 submitters: Uncertain significance (4). Last evaluated 2024-09-10.

Conditions:
Inborn genetic diseases. Identifiers: MedGen C0950123, MeSH D030342.
T-B+ severe combined immunodeficiency due to JAK3 deficiency. Also called: SCID, T CELL-NEGATIVE, B CELL-POSITIVE, NK CELL-NEGATIVE; SCID, autosomal recessive, T-negative/B-positive type. Identifiers: Orphanet 35078, MedGen C1833275, MONDO:0010938, OMIM 600802.

Allele frequency attached by ClinVar (database versions not stated): gnomAD exomes 0.00001; ExAC 0.00002; TOPMed 0.00002; gnomAD 0.00003 and 0.00004; ESP Exome Variant Server 0.00008.
gnomAD v4.1: 16 of 1,607,004 alleles (0.001%); highest among the groups gnomAD compares: Admixed American, 0.0017%; no homozygotes.

Submissions (4):

Blueprint Genetics
Classification: Uncertain significance. Last evaluated: 2024-09-10. Review status: criteria provided, single submitter. Criteria: ACMG Guidelines, 2015. Collection method: clinical testing. Allele origin: germline.

Ambry Genetics
Classification: Uncertain significance for Inborn genetic diseases. Last evaluated: 2024-04-01. Review status: criteria provided, single submitter. Criteria: Ambry Variant Classification Scheme 2023. Collection method: clinical testing. Allele origin: germline.

Department of Pathology and Laboratory Medicine, Sinai Health System
Classification: Uncertain significance for T-B+ severe combined immunodeficiency due to JAK3 deficiency. Last evaluated: 2022-11-19. Review status: criteria provided, single submitter. Criteria: ACMG Guidelines, 2015. Collection method: research. Allele origin: germline.

Labcorp Genetics (formerly Invitae), Labcorp
Classification: Uncertain significance for T-B+ severe combined immunodeficiency due to JAK3 deficiency. Last evaluated: 2022-07-17. Review status: criteria provided, single submitter. Criteria: Invitae Variant Classification Sherloc (09022015). Collection method: clinical testing. Allele origin: germline.
Comment: This sequence change replaces asparagine, which is neutral and polar, with serine, which is neutral and polar, at codon 778 of the JAK3 protein (p.Asn778Ser). This variant is present in population databases (rs199861157, gnomAD 0.002%). This variant has not been reported in the literature in individuals affected with JAK3-related conditions. ClinVar contains an entry for this variant (Variation ID: 840789). Advanced modeling of protein sequence and biophysical properties (such as structural, functional, and spatial information, amino acid conservation, physicochemical variation, residue mobility, and thermodynamic stability) performed at Invitae indicates that this missense variant is not expected to disrupt JAK3 protein function. Algorithms developed to predict the effect of sequence changes on RNA splicing suggest that this variant may create or strengthen a splice site. In summary, the available evidence is currently insufficient to determine the role of this variant in disease. Therefore, it has been classified as a Variant of Uncertain Significance.